The following is an entry in ClinVar:

NM_005591.4(MRE11):c.158A>G (p.Asp53Gly)

Gene: MRE11 (MRE11 double strand break repair nuclease; minus strand). Cytogenetic location: 11q21.
Variant type: single nucleotide variant.
Coding change: c.158A>G on transcript NM_005591.4 (MANE Select); coding-DNA position 158, A replaced by G.
Protein change: p.Asp53Gly; replaces aspartic acid 53 with glycine.
Molecular consequence: missense variant.
Genome position (GRCh38, 1-based): chr11:94,486,080, T>C on the plus strand (A>G on the coding strand, the complement: MRE11 is on the minus strand). VCF-style: chr11-94486080-T-C. GRCh37 (hg19) VCF-style: chr11-94219246-T-C.
Other names: c.158A>G, p.Asp53Gly (NM_001330347.2, NM_005590.4); short protein forms D53G.
Identifiers: ClinVar variation 819555 (VCV000819555.5), dbSNP rs1591719448, ClinGen allele CA382379989.

ClinVar aggregate classification (germline): Uncertain significance (1 of 4 stars; one submission).

Conditions:
Hereditary cancer-predisposing syndrome. Also called: Tumor predisposition; Neoplastic Syndromes, Hereditary; Hereditary Cancer Syndrome; Hereditary neoplastic syndrome. Identifiers: Orphanet 140162, MedGen C0027672, MeSH D009386, MONDO:0015356.

Submission:

Ambry Genetics
Classification: Uncertain significance for Hereditary cancer-predisposing syndrome. Last evaluated: 2026-02-06. Review status: criteria provided, single submitter. Criteria: Ambry Variant Classification Scheme 2023. Collection method: clinical testing. Allele origin: germline.
Comment: The p.D53G variant (also known as c.158A>G), located in coding exon 3 of the MRE11A gene, results from an A to G substitution at nucleotide position 158. The aspartic acid at codon 53 is replaced by glycine, an amino acid with similar properties. This amino acid position is highly conserved in available vertebrate species. In addition, this alteration is predicted to be deleterious by in silico analysis. Based on the available evidence, the clinical significance of this variant remains unclear.